The following is an entry in ClinVar:

NM_020699.4(GATAD2B):c.1190T>A (p.Val397Asp)

Gene: GATAD2B (GATA zinc finger domain containing 2B; minus strand). Cytogenetic location: 1q21.3.
Variant type: single nucleotide variant.
Coding change: c.1190T>A on transcript NM_020699.4 (MANE Select); coding-DNA position 1190, T replaced by A.
Protein change: p.Val397Asp; replaces valine 397 with aspartic acid.
Molecular consequence: missense variant.
Genome position (GRCh38, 1-based): chr1:153,816,299, A>T on the plus strand (T>A on the coding strand, the complement: GATAD2B is on the minus strand). VCF-style: chr1-153816299-A-T. GRCh37 (hg19) VCF-style: chr1-153788775-A-T.
Other names: short protein forms V397D.
Identifiers: ClinVar variation 3062069 (VCV003062069.1), dbSNP rs2525247680, ClinGen allele CA342526370.

ClinVar aggregate classification (germline): Uncertain significance (1 of 4 stars; one submission).

Conditions:
Severe intellectual disability-poor language-strabismus-grimacing face-long fingers syndrome (GAND). Also called: GAND SYNDROME. Identifiers: Orphanet 363686, MedGen C3554448, MONDO:0014034, OMIM 615074.

Submission:

Illumina Laboratory Services, Illumina
Classification: Uncertain significance for Severe intellectual disability-poor language-strabismus-grimacing face-long fingers syndrome. Last evaluated: 2017-05-18. Review status: criteria provided, single submitter. Criteria: ICSLVariantClassificationCriteria RUGD 01 April 2020. Collection method: clinical testing. Allele origin: unknown.
Comment: The GATAD2B c.1190T>A p.(Val397Asp) variant is a missense variant. A literature search was performed for the gene, cDNA change, and amino acid change. No publications were found based on this search. This variant is not found in the Genome Aggregation Database (version 2.1.1). Based on the evidence, the c.1190T>A p.(Val397Asp) variant is classified as a variant of uncertain significance for severe intellectual disability-poor language-strabismus-grimacing face-long fingers syndrome.